The following is an entry in ClinVar:

ClinVar aggregate classification (germline): Pathogenic/Likely pathogenic. Review status: criteria provided, multiple submitters, no conflicts (2 of 4 stars). 5 submissions from 5 submitters: Pathogenic (1); Likely pathogenic (4). Last evaluated 2025-11-18.

Conditions:
Argininosuccinate lyase deficiency. Also called: Argininosuccinic aciduria; ARGININOSUCCINIC ACID LYASE DEFICIENCY; ASL DEFICIENCY. Identifiers: Orphanet 23, MedGen C0268547, MONDO:0008815, OMIM 207900, HP:0025630.

Allele frequency attached by ClinVar (database versions not stated): gnomAD 0.00001 and 0.00002; gnomAD exomes 0.00001; TOPMed 0.00002; 1000 Genomes Project 30x 0.00016; 1000 Genomes Project 0.00020.
gnomAD v4.1: 5 of 1,613,736 alleles (0.00031%); highest among the groups gnomAD compares: South Asian, 0.0022%; no homozygotes.

Submissions (5):

GeneDx
Classification: Likely pathogenic. Last evaluated: 2025-11-18. Review status: criteria provided, single submitter. Criteria: GeneDx Variant Classification Process June 2021. Collection method: clinical testing. Allele origin: germline. Affected: yes.
Comment: Not observed at significant frequency in large population cohorts (gnomAD); In silico analysis supports that this missense variant has a deleterious effect on protein structure/function; This variant is associated with the following publications: (PMID: 24166829, 34716697)

Natera, Inc.
Classification: Likely pathogenic for Argininosuccinate lyase deficiency. Last evaluated: 2024-08-20. Review status: criteria provided, single submitter. Criteria: Natera Variant Classification Schema (03/2026). Collection method: clinical testing. Allele origin: germline.
Comment: The c.376C>T variant in ASL is a missense variant predicted to cause substitution of arginine to tryptophan at amino acid 126. This variant is rare in the general population with a frequency below the threshold expected for the associated phenotype(s). This variant has been observed in one or more individuals affected with the associated recessive disease, as either homozygous or compound heterozygous with a second variant (PMID: 24166829). Computational prediction algorithms indicate this variant is likely to affect gene or protein function. Given the available evidence, this variant is classified as Likely Pathogenic.

Fulgent Genetics
Classification: Likely pathogenic for Argininosuccinate lyase deficiency. Last evaluated: 2024-03-01. Review status: criteria provided, single submitter. Criteria: ACMG Guidelines, 2015. Collection method: clinical testing. Allele origin: germline.

Labcorp Genetics (formerly Invitae), Labcorp
Classification: Pathogenic for Argininosuccinate lyase deficiency. Last evaluated: 2024-01-17. Review status: criteria provided, single submitter. Criteria: Invitae Variant Classification Sherloc (09022015). Collection method: clinical testing. Allele origin: germline.
Comment: This sequence change replaces arginine, which is basic and polar, with tryptophan, which is neutral and slightly polar, at codon 126 of the ASL protein (p.Arg126Trp). This variant is present in population databases (rs201962738, gnomAD 0.003%). This missense change has been observed in individual(s) with clinical features of argininosuccinate lyase deficiency (PMID: 24166829; Invitae). ClinVar contains an entry for this variant (Variation ID: 643476). Advanced modeling of protein sequence and biophysical properties (such as structural, functional, and spatial information, amino acid conservation, physicochemical variation, residue mobility, and thermodynamic stability) performed at Invitae indicates that this missense variant is expected to disrupt ASL protein function with a positive predictive value of 95%. This variant disrupts the p.Arg126 amino acid residue in ASL. Other variant(s) that disrupt this residue have been observed in individuals with ASL-related conditions (PMID: 20236848, 28251416), which suggests that this may be a clinically significant amino acid residue. For these reasons, this variant has been classified as Pathogenic.

Juno Genomics, Hangzhou Juno Genomics, Inc
Classification: Likely pathogenic for Argininosuccinate lyase deficiency. Review status: criteria provided, single submitter. Criteria: ACMG Guidelines, 2015. Collection method: clinical testing. Allele origin: germline.
Comment: Absent from controls (or at extremely low frequency if recessive) in Genome Aggregation Database.;Multiple lines of computational evidence support a deleterious effect on the gene or gene product.;Novel missense change at an amino acid residue where a different missense change determined to be pathogenic has been seen before.;For recessive disorders, detected in trans with a pathogenic variant.;Patient's phenotype or family history is highly specific for a disease with a single genetic etiology.

Literature cited by the submitters: PubMed 24166829 (cited by Natera, Inc. and Labcorp Genetics (formerly Invitae), Labcorp); PubMed 20236848 (cited by Labcorp Genetics (formerly Invitae), Labcorp); PubMed 28251416 (cited by Labcorp Genetics (formerly Invitae), Labcorp).

NM_000048.4(ASL):c.376C>T (p.Arg126Trp)

Gene: ASL (argininosuccinate lyase; plus strand). Cytogenetic location: 7q11.21.
Variant type: single nucleotide variant.
Coding change: c.376C>T on transcript NM_000048.4 (MANE Select); coding-DNA position 376, C replaced by T.
Protein change: p.Arg126Trp; replaces arginine 126 with tryptophan.
Molecular consequence: missense variant.
Genome position (GRCh38, 1-based): chr7:66,083,104, C>T. VCF-style: chr7-66083104-C-T. GRCh37 (hg19) VCF-style: chr7-65548091-C-T.
Other names: c.376C>T, p.Arg126Trp (NM_001024943.2, NM_001024944.2, NM_001024946.2); short protein forms R126W.
Identifiers: ClinVar variation 643476 (VCV000643476.22), dbSNP rs201962738, ClinGen allele CA159927114.
Genomic context (GRCh38, chr7:66,083,104, plus strand): 5'-GGCCTCCCTGAGCACCATCTCCTCCTTGCACAGGTGGTCACAGACCTCAGGCTGTGGATG[C>T]GGCAGACCTGCTCCACGCTCTCGGGCCTCCTCTGGGAGCTCATTAGGACCATGGTGGATC-3'
Protein context (NP_000039.2, residues 116-136): QVVTDLRLWM[Arg126Trp]QTCSTLSGLL